The following is an entry in ClinVar:

ClinVar aggregate classification (germline): Benign/Likely benign. Review status: criteria provided, multiple submitters, no conflicts (2 of 4 stars). 6 submissions from 6 submitters: Benign (3); Likely benign (2). 1 of the submissions does not count toward it. Last evaluated 2026-09-01.

Conditions:
CANT1-related disorder. Also called: CANT1-related condition.

Allele frequency attached by ClinVar (database versions not stated): gnomAD exomes 0.00048 and 0.00067; ExAC 0.00183; 1000 Genomes Project 30x 0.00187; gnomAD 0.00194 and 0.00202; 1000 Genomes Project 0.00200; TOPMed 0.00216; ESP Exome Variant Server 0.00238.
gnomAD v4.1: 1,032 of 1,598,024 alleles (0.065%); highest among the groups gnomAD compares: African/African-American, 0.69%; 3 homozygotes.

Submissions (6):

CeGaT Center for Human Genetics Tuebingen
Classification: Likely benign. Last evaluated: 2026-09-01. Review status: criteria provided, single submitter. Criteria: CeGaT Center For Human Genetics Tuebingen Variant Classification Criteria Version 2. Collection method: clinical testing. Allele origin: germline. Affected: yes. Observed: 1 variant allele.
Comment: CANT1: BP4, BP7

Labcorp Genetics (formerly Invitae), Labcorp
Classification: Benign. Last evaluated: 2026-02-04. Review status: criteria provided, single submitter. Criteria: Invitae Variant Classification Sherloc (09022015). Collection method: clinical testing. Allele origin: germline.

ARUP Laboratories, Molecular Genetics and Genomics, ARUP Laboratories
Classification: Benign. Last evaluated: 2025-06-24. Review status: criteria provided, single submitter. Criteria: ARUP Molecular Germline Variant Investigation Process 2024. Collection method: clinical testing. Allele origin: germline.

Blueprint Genetics
Classification: Likely benign. Last evaluated: 2024-11-01. Review status: criteria provided, single submitter. Criteria: ACMG Guidelines, 2015. Collection method: clinical testing. Allele origin: germline.

Breakthrough Genomics
Classification: Benign. Review status: criteria provided, single submitter. Criteria: ACMG Guidelines, 2015. Collection method: not provided. Allele origin: germline. Inheritance: Autosomal recessive inheritance. Affected: yes.

PreventionGenetics, part of Exact Sciences
Classification: Benign for CANT1-related condition. Last evaluated: 2021-02-01. Review status: no assertion criteria provided. Collection method: clinical testing. Allele origin: germline. Not counted in ClinVar's aggregate classification.
Comment: This variant is classified as benign based on ACMG/AMP sequence variant interpretation guidelines (Richards et al. 2015 PMID: 25741868, with internal and published modifications).

NM_001159773.2(CANT1):c.801C>T (p.Asn267=)

Gene: CANT1 (calcium activated nucleotidase 1; minus strand). Cytogenetic location: 17q25.3.
Variant type: single nucleotide variant.
Coding change: c.801C>T on transcript NM_001159773.2 (MANE Select); coding-DNA position 801, C replaced by T.
Protein change: p.Asn267=; no amino-acid change (asparagine 267 retained).
Molecular consequence: synonymous variant.
Genome position (GRCh38, 1-based): chr17:78,995,052, G>A on the plus strand (C>T on the coding strand, the complement: CANT1 is on the minus strand). VCF-style: chr17-78995052-G-A. GRCh37 (hg19) VCF-style: chr17-76991134-G-A.
Other names: c.801C>T, p.Asn267= (NM_001159772.2, NM_138793.4).
Identifiers: ClinVar variation 730068 (VCV000730068.17), dbSNP rs138199925, ClinGen allele CA8808610.
Genomic context (GRCh38, chr17:78,995,052, plus strand): 5'-TGTGGGCTGGGGCAGGCGTCTCTTACCTGGCGGCTGGATGCCGGCAGCAGCCCGCAGGGC[G>A]TTGTAGTTGGACACCCAGTTCTCGTGGTCCACGCTGCCCTTGTAGCCCACCACCTTCACC-3'
Protein context (NP_001153245.1, residues 257-277): VDHENWVSNY[Asn267=]ALRAAAGIQP